The following is an entry in ClinVar:

NM_006206.6(PDGFRA):c.1280C>T (p.Ser427Leu)

Gene: PDGFRA (platelet derived growth factor receptor alpha; plus strand). Cytogenetic location: 4q12.
Variant type: single nucleotide variant.
Coding change: c.1280C>T on transcript NM_006206.6 (MANE Select); coding-DNA position 1280, C replaced by T.
Protein change: p.Ser427Leu; replaces serine 427 with leucine.
Molecular consequence: missense variant.
Genome position (GRCh38, 1-based): chr4:54,272,436, C>T. VCF-style: chr4-54272436-C-T. GRCh37 (hg19) VCF-style: chr4-55138603-C-T.
Other names: c.1280C>T, p.Ser427Leu (NM_001347827.2, NM_001347829.2); c.1355C>T, p.Ser452Leu (NM_001347828.2); c.1319C>T, p.Ser440Leu (NM_001347830.2); short protein forms S427L, S452L, S440L.
Identifiers: ClinVar variation 414502 (VCV000414502.25), dbSNP rs61735621, ClinGen allele CA2922511.

ClinVar aggregate classification (germline): Conflicting classifications of pathogenicity. Review status: criteria provided, conflicting classifications (1 of 4 stars). 7 submissions from 7 submitters: Uncertain significance (4); Benign (1); Likely benign (1). 1 of the submissions does not count toward it. Last evaluated 2026-01-28.

Conditions:
Hereditary cancer-predisposing syndrome. Also called: Neoplastic Syndromes, Hereditary; Hereditary Cancer Syndrome; Hereditary neoplastic syndrome; Tumor predisposition. Identifiers: Orphanet 140162, MedGen C0027672, MeSH D009386, MONDO:0015356.
Idiopathic hypereosinophilic syndrome (HES). Identifiers: Orphanet 3260, MedGen C0206141, MONDO:0011895, OMIM 607685. Disease mechanism: gain of function.
Polyps, multiple and recurrent inflammatory fibroid, gastrointestinal. Identifiers: MedGen C5193005, MONDO:0008285, OMIM 175510.
PDGFRA-related disorder. Also called: PDGFRA-related condition.
Gastrointestinal stromal tumor. Also called: Gastrointestinal stroma tumor; Gastrointestinal stromal tumor, somatic. Identifiers: Orphanet 44890, MedGen C0238198, MeSH D046152, MONDO:0011719, OMIM 606764, HP:0100723.

Allele frequency attached by ClinVar (database versions not stated): ExAC 0.00016; gnomAD exomes 0.00016 and 0.00005; ESP Exome Variant Server 0.00038; gnomAD 0.00054 and 0.00056; TOPMed 0.00059; 1000 Genomes Project 0.00060; 1000 Genomes Project 30x 0.00109.
gnomAD v4.1: 161 of 1,614,002 alleles (0.01%); highest among the groups gnomAD compares: African/African-American, 0.19%; no homozygotes.

Submissions (7):

Labcorp Genetics (formerly Invitae), Labcorp
Classification: Likely benign for Gastrointestinal stromal tumor. Last evaluated: 2026-01-28. Review status: criteria provided, single submitter. Criteria: Invitae Variant Classification Sherloc (09022015). Collection method: clinical testing. Allele origin: germline.

Ambry Genetics
Classification: Benign for Hereditary cancer-predisposing syndrome. Last evaluated: 2024-08-20. Review status: criteria provided, single submitter. Criteria: Ambry Variant Classification Scheme 2023. Collection method: clinical testing. Allele origin: germline.

St. Jude Molecular Pathology, St. Jude Children's Research Hospital
Classification: Uncertain significance for Polyps, multiple and recurrent inflammatory fibroid, gastrointestinal. Last evaluated: 2022-07-12. Review status: criteria provided, single submitter. Criteria: St. Jude Assertion Criteria 2020. Collection method: clinical testing. Allele origin: germline.
Comment: The PDGFRA c.1280C>T (p.Ser427Leu) missense change has a maximum subpopulation frequency of 0.21% in gnomAD v2.1.1. The in silico tool REVEL is inconclusive about a pathogenic or benign effect of this variant on protein function, and to our knowledge functional studies have not been performed. To our knowledge, this variant has not been reported in individuals with PDGFRA-associated tumors. In summary, the evidence currently available is insufficient to determine the clinical significance of this variant. It has therefore been classified as of uncertain significance.

GeneDx
Classification: Uncertain significance. Last evaluated: 2022-06-21. Review status: criteria provided, single submitter. Criteria: GeneDx Variant Classification Process June 2021. Collection method: clinical testing. Allele origin: germline. Affected: yes.
Comment: In silico analysis supports that this missense variant does not alter protein structure/function; Has not been previously published as pathogenic or benign to our knowledge

Sema4
Classification: Uncertain significance for Hereditary cancer-predisposing syndrome. Last evaluated: 2021-06-22. Review status: criteria provided, single submitter. Criteria: Sema4 Curation Guidelines. Collection method: curation. Allele origin: germline.
Comment: The PDGFRA c.1280C>T (p.S427L) variant has been reported in at least one individual with pilocytic astrocytoma (PMID: 33332384). This variant was observed in 53/24958 chromosomes in the African/African American population, with no homozygotes, according to the Genome Aggregation Database (PMID: 32461654). The variant has been reported in ClinVar (Variation ID 414502). In silico tools suggest the impact of the variant on protein function is inconclusive, though these predictions have not been confirmed by functional studies. The evidence is insufficient to meet ACMG/AMP criteria for classifying the variant as benign or pathogenic. Thus, the clinical significance of this variant is currently uncertain.

Revvity Omics, Revvity
Classification: Uncertain significance for Idiopathic hypereosinophilic syndrome. Last evaluated: 2020-10-08. Review status: criteria provided, single submitter. Criteria: ACMG Guidelines, 2015. Collection method: clinical testing. Allele origin: germline.

PreventionGenetics, part of Exact Sciences
Classification: Likely benign for PDGFRA-related condition. Last evaluated: 2022-01-21. Review status: no assertion criteria provided. Collection method: clinical testing. Allele origin: germline. Not counted in ClinVar's aggregate classification.
Comment: This variant is classified as likely benign based on ACMG/AMP sequence variant interpretation guidelines (Richards et al. 2015 PMID: 25741868, with internal and published modifications).

Literature cited by the submitters: PubMed 33332384 (cited by Sema4).